The following is an entry in ClinVar:

ClinVar aggregate classification (germline): Uncertain significance. Review status: criteria provided, multiple submitters, no conflicts (2 of 4 stars). 4 submissions from 4 submitters: Uncertain significance (4). Last evaluated 2025-08-21.

Conditions:
Oculotrichoanal syndrome (MOTA). Also called: MARLES SYNDROME; Manitoba Oculotrichoanal (MOTA) Syndrome. Identifiers: Orphanet 2717, MedGen C1855425, MONDO:0009560, OMIM 248450.
Inborn genetic diseases. Identifiers: MedGen C0950123, MeSH D030342.

Allele frequency attached by ClinVar (database versions not stated): gnomAD exomes 0.00005 and 0.00013; ExAC 0.00018; ESP Exome Variant Server 0.00034; gnomAD 0.00054 and 0.00055; TOPMed 0.00063; 1000 Genomes Project 0.00100; 1000 Genomes Project 30x 0.00125.
gnomAD v4.1: 150 of 1,609,942 alleles (0.0093%); highest among the groups gnomAD compares: African/African-American, 0.18%; no homozygotes.

Submissions (4):

Ambry Genetics
Classification: Uncertain significance for Inborn genetic diseases. Last evaluated: 2025-08-21. Review status: criteria provided, single submitter. Criteria: Ambry Variant Classification Scheme 2023. Collection method: clinical testing. Allele origin: germline.

Labcorp Genetics (formerly Invitae), Labcorp
Classification: Uncertain significance. Last evaluated: 2024-09-24. Review status: criteria provided, single submitter. Criteria: Invitae Variant Classification Sherloc (09022015). Collection method: clinical testing. Allele origin: germline.
Comment: This sequence change replaces isoleucine, which is neutral and non-polar, with threonine, which is neutral and polar, at codon 1708 of the FREM1 protein (p.Ile1708Thr). This variant is present in population databases (rs200472299, gnomAD 0.2%). This variant has not been reported in the literature in individuals affected with FREM1-related conditions. ClinVar contains an entry for this variant (Variation ID: 289627). Invitae Evidence Modeling of protein sequence and biophysical properties (such as structural, functional, and spatial information, amino acid conservation, physicochemical variation, residue mobility, and thermodynamic stability) indicates that this missense variant is expected to disrupt FREM1 protein function with a positive predictive value of 80%. In summary, the available evidence is currently insufficient to determine the role of this variant in disease. Therefore, it has been classified as a Variant of Uncertain Significance.

Illumina Laboratory Services, Illumina
Classification: Uncertain significance for Oculotrichoanal syndrome. Last evaluated: 2018-01-13. Review status: criteria provided, single submitter. Criteria: ICSL Variant Classification Criteria 13 December 2019. Collection method: clinical testing. Allele origin: germline.

Eurofins Ntd Llc (ga)
Classification: Uncertain significance. Last evaluated: 2016-07-28. Review status: criteria provided, single submitter. Criteria: EGL Classification Definitions 2015. Collection method: clinical testing. Allele origin: germline. Observed: 2 variant alleles, 2 heterozygotes.

NM_001379081.2(FREM1):c.5123T>C (p.Ile1708Thr)

Gene: FREM1 (FRAS1 related extracellular matrix 1; minus strand). Cytogenetic location: 9p22.3.
Variant type: single nucleotide variant.
Coding change: c.5123T>C on transcript NM_001379081.2 (MANE Select); coding-DNA position 5123, T replaced by C.
Protein change: p.Ile1708Thr; replaces isoleucine 1708 with threonine.
Molecular consequence: missense variant. On other transcripts: non-coding transcript variant (1).
Genome position (GRCh38, 1-based): chr9:14,769,805, A>G on the plus strand (T>C on the coding strand, the complement: FREM1 is on the minus strand). VCF-style: chr9-14769805-A-G. GRCh37 (hg19) VCF-style: chr9-14769803-A-G.
Other names: c.731T>C, p.Ile244Thr (NM_001177704.3, NM_001370058.2, NM_001370061.2); c.5123T>C, p.Ile1708Thr (NM_144966.7); short protein forms I1708T, I244T.
Identifiers: ClinVar variation 289627 (VCV000289627.13), dbSNP rs200472299, ClinGen allele CA4989889.
Genomic context (GRCh38, chr9:14,769,805, plus strand): 5'-CCTGTGGGGTCCATGATTTGAAATTCCACGGTATCTGAATTTACTTCCAAAGATGGGTTT[A>G]TGATGTAAAGAATAGTCTTACTGTTTAAGTCCTTTTGGCTAAATTTCTCATGGATAAATT-3'
Protein context (NP_001366010.1, residues 1698-1718): DLNSKTILYI[Ile1708Thr]NPSLEVNSDT